The following is an entry in ClinVar:

ClinVar aggregate classification (germline): Uncertain significance. Review status: criteria provided, multiple submitters, no conflicts (2 of 4 stars). 3 submissions from 3 submitters: Uncertain significance (3). Last evaluated 2025-09-22.

Conditions:
Inborn genetic diseases. Identifiers: MedGen C0950123, MeSH D030342.

Allele frequency attached by ClinVar (database versions not stated): ExAC 0.00005; gnomAD exomes 0.00007 and 0.00025; ESP Exome Variant Server 0.00008; gnomAD 0.00014; TOPMed 0.00014.
gnomAD v4.1: 399 of 1,612,792 alleles (0.025%); highest among the groups gnomAD compares: Non-Finnish European, 0.032%; no homozygotes.

Submissions (3):

GeneDx
Classification: Uncertain significance. Last evaluated: 2025-09-22. Review status: criteria provided, single submitter. Criteria: GeneDx Variant Classification Process June 2021. Collection method: clinical testing. Allele origin: germline. Affected: yes.
Comment: In silico analysis supports that this missense variant has a deleterious effect on protein structure/function; Has not been previously published as pathogenic or benign to our knowledge

Blueprint Genetics
Classification: Uncertain significance. Last evaluated: 2024-11-18. Review status: criteria provided, single submitter. Criteria: ACMG Guidelines, 2015. Collection method: clinical testing. Allele origin: germline.

Ambry Genetics
Classification: Uncertain significance for Inborn genetic diseases. Last evaluated: 2023-10-13. Review status: criteria provided, single submitter. Criteria: Ambry Variant Classification Scheme 2023. Collection method: clinical testing. Allele origin: germline.

NM_031475.3(ESPN):c.407A>G (p.Asp136Gly)

Gene: ESPN (espin; plus strand). Cytogenetic location: 1p36.31.
Variant type: single nucleotide variant.
Coding change: c.407A>G on transcript NM_031475.3 (MANE Select); coding-DNA position 407, A replaced by G.
Protein change: p.Asp136Gly; replaces aspartic acid 136 with glycine.
Molecular consequence: missense variant.
Genome position (GRCh38, 1-based): chr1:6,428,338, A>G. VCF-style: chr1-6428338-A-G. GRCh37 (hg19) VCF-style: chr1-6488398-A-G.
Other names: c.407A>G, p.Asp136Gly (NM_001367473.1, NM_001367474.1); short protein forms D136G.
Identifiers: ClinVar variation 1186850 (VCV001186850.7), dbSNP rs143543872, ClinGen allele CA559882.
Genomic context (GRCh38, chr1:6,428,338, plus strand): 5'-ACCCCGAGGTGGTGAACTGGCTCTTGCATCATGGCGGTGGGGACCCCACCGCGGCCACAG[A>G]CATGGGCGCCCTGCCTATCCACTACGCTGCCGCCAAAGGAGACTTCCCCTCCCTGAGGCT-3'
Protein context (NP_113663.2, residues 126-146): HGGGDPTAAT[Asp136Gly]MGALPIHYAA